The following is an entry in ClinVar:

NM_001332.4(CTNND2):c.2276A>T (p.Lys759Met)

Gene: CTNND2 (catenin delta 2; minus strand). Cytogenetic location: 5p15.2.
Variant type: single nucleotide variant.
Coding change: c.2276A>T on transcript NM_001332.4 (MANE Select); coding-DNA position 2276, A replaced by T.
Protein change: p.Lys759Met; replaces lysine 759 with methionine.
Molecular consequence: missense variant. On other transcripts: non-coding transcript variant (1).
Genome position (GRCh38, 1-based): chr5:11,117,451, T>A on the plus strand (A>T on the coding strand, the complement: CTNND2 is on the minus strand). VCF-style: chr5-11117451-T-A. GRCh37 (hg19) VCF-style: chr5-11117563-T-A.
Other names: c.2003A>T, p.Lys668Met (NM_001288715.1); c.1265A>T, p.Lys422Met (NM_001288716.1, NM_001364128.2); c.977A>T, p.Lys326Met (NM_001288717.2); short protein forms K422M, K759M, K668M, K326M.
Identifiers: ClinVar variation 5035036 (VCV005035036.1).

ClinVar aggregate classification (germline): Uncertain significance (1 of 4 stars; one submission).

Conditions:
Inborn genetic diseases. Identifiers: MedGen C0950123, MeSH D030342.

Submission:

Ambry Genetics
Classification: Uncertain significance for Inborn genetic diseases. Last evaluated: 2026-07-09. Review status: criteria provided, single submitter. Criteria: Ambry Variant Classification Scheme 2023. Collection method: clinical testing. Allele origin: germline.
Comment: The c.2276A>T (p.K759M) alteration is located in exon 13 (coding exon 13) of the CTNND2 gene. This alteration results from a A to T substitution at nucleotide position 2276, causing the lysine (K) at amino acid position 759 to be replaced by a methionine (M). This variant was not reported in population-based cohorts in the Genome Aggregation Database (gnomAD). This amino acid position is highly conserved in available vertebrate species. This amino acid alteration is predicted to be deleterious by in silico analysis. In silico splice site analysis predicts that this nucleotide alteration will weaken the native splice donor site and may result in the creation or strengthening of a novel splice donor site. Based on insufficient or conflicting evidence, the clinical significance of this alteration remains unclear.